The following is an entry in ClinVar:

NM_001004334.4(GPR179):c.2251C>T (p.Arg751Cys)

Gene: GPR179 (G protein-coupled receptor 179; minus strand). Cytogenetic location: 17q12.
Variant type: single nucleotide variant.
Coding change: c.2251C>T on transcript NM_001004334.4 (MANE Select); coding-DNA position 2251, C replaced by T.
Protein change: p.Arg751Cys; replaces arginine 751 with cysteine.
Molecular consequence: missense variant.
Genome position (GRCh38, 1-based): chr17:38,331,318, G>A on the plus strand (C>T on the coding strand, the complement: GPR179 is on the minus strand). VCF-style: chr17-38331318-G-A. GRCh37 (hg19) VCF-style: chr17-36487201-G-A.
Other names: c.2251C>T (NM_001004334.2); short protein forms R751C.
Identifiers: ClinVar variation 1938709 (VCV001938709.6), dbSNP rs368915520, ClinGen allele CA290106011.
Genomic context (GRCh38, chr17:38,331,318, plus strand): 5'-ACTTGTGCAGAGCTGGTGTCCCCTCGGGTTCCTGGAGGCTGGAGCTGAGGAGCCGGCGGC[G>A]GGAGGAGCCGGGCAGGCTGCCGTGGCCTGGGGATCCTGAGTCCCGGGAGTGCTGCCTGGC-3'
Protein context (NP_001004334.3, residues 741-761): PGHGSLPGSS[Arg751Cys]RRLLSSSLQE

ClinVar aggregate classification (germline): Uncertain significance. Review status: criteria provided, multiple submitters, no conflicts (2 of 4 stars). 2 submissions from 2 submitters: Uncertain significance (2). Last evaluated 2025-08-11.

Conditions:
Inborn genetic diseases. Identifiers: MedGen C0950123, MeSH D030342.

Allele frequency attached by ClinVar (database versions not stated): gnomAD exomes 0.00001; TOPMed 0.00001; ExAC 0.00003; gnomAD 0.00003; ESP Exome Variant Server 0.00008.
gnomAD v4.1: 23 of 1,606,128 alleles (0.0014%); highest among the groups gnomAD compares: East Asian, 0.0022%; no homozygotes.

Submissions (2):

Labcorp Genetics (formerly Invitae), Labcorp
Classification: Uncertain significance. Last evaluated: 2025-08-11. Review status: criteria provided, single submitter. Criteria: Invitae Variant Classification Sherloc (09022015). Collection method: clinical testing. Allele origin: germline.
Comment: This sequence change replaces arginine, which is basic and polar, with cysteine, which is neutral and slightly polar, at codon 751 of the GPR179 protein (p.Arg751Cys). This variant is present in population databases (rs368915520, gnomAD 0.006%). This variant has not been reported in the literature in individuals affected with GPR179-related conditions. ClinVar contains an entry for this variant (Variation ID: 1938709). An algorithm developed to predict the effect of missense changes on protein structure and function outputs the following: PolyPhen-2: "Benign". The cysteine amino acid residue is found in multiple mammalian species, which suggests that this missense change does not adversely affect protein function. In summary, the available evidence is currently insufficient to determine the role of this variant in disease. Therefore, it has been classified as a Variant of Uncertain Significance.

Ambry Genetics
Classification: Uncertain significance for Inborn genetic diseases. Last evaluated: 2023-11-29. Review status: criteria provided, single submitter. Criteria: Ambry Variant Classification Scheme 2023. Collection method: clinical testing. Allele origin: germline.